The following is an entry in ClinVar:

NM_004048.4(B2M):c.7C>T (p.Arg3Cys)

Gene: B2M (beta-2-microglobulin; plus strand). Cytogenetic location: 15q21.1.
Variant type: single nucleotide variant.
Coding change: c.7C>T on transcript NM_004048.4 (MANE Select); coding-DNA position 7, C replaced by T.
Protein change: p.Arg3Cys; replaces arginine 3 with cysteine.
Molecular consequence: missense variant.
Genome position (GRCh38, 1-based): chr15:44,711,553, C>T. VCF-style: chr15-44711553-C-T. GRCh37 (hg19) VCF-style: chr15-45003751-C-T.
Other names: short protein forms R3C.
Identifiers: ClinVar variation 1011724 (VCV001011724.7), dbSNP rs765817584, ClinGen allele CA7536257.

ClinVar aggregate classification (germline): Uncertain significance (1 of 4 stars; one submission).

Conditions:
Hypoproteinemia, hypercatabolic (IMD43). Also called: MHC CLASS I DEFICIENCY 4; IMMUNODEFICIENCY 43; BETA-2-MICROGLOBULIN DEFICIENCY; B2M DEFICIENCY. Identifiers: MedGen C1855796, MONDO:0009434, OMIM 241600.

Allele frequency attached by ClinVar (database versions not stated): gnomAD below 0.00001 and 0.00001; ExAC 0.00002; gnomAD exomes 0.00002.
gnomAD v4.1: 34 of 1,613,706 alleles (0.0021%); highest among the groups gnomAD compares: South Asian, 0.036%; 2 homozygotes.

Submission:

Labcorp Genetics (formerly Invitae), Labcorp
Classification: Uncertain significance for Hypoproteinemia, hypercatabolic. Last evaluated: 2025-12-23. Review status: criteria provided, single submitter. Criteria: Invitae Variant Classification Sherloc (09022015). Collection method: clinical testing. Allele origin: germline.
Comment: This sequence change replaces arginine, which is basic and polar, with cysteine, which is neutral and slightly polar, at codon 3 of the B2M protein (p.Arg3Cys). This variant is present in population databases (rs765817584, gnomAD 0.02%). This variant has not been reported in the literature in individuals affected with B2M-related conditions. ClinVar contains an entry for this variant (Variation ID: 1011724). An algorithm developed to predict the effect of missense changes on protein structure and function (PolyPhen-2) suggests that this variant is likely to be disruptive. In summary, the available evidence is currently insufficient to determine the role of this variant in disease. Therefore, it has been classified as a Variant of Uncertain Significance.